The following is an entry in ClinVar:

NM_006015.6(ARID1A):c.994A>G (p.Met332Val)

Genes: ARID1A (AT-rich interaction domain 1A; plus strand), LOC129929837 (ATAC-STARR-seq lymphoblastoid silent region 489; plus strand). Cytogenetic location: 1p36.11.
Variant type: single nucleotide variant.
Coding change: c.994A>G on transcript NM_006015.6 (MANE Select); coding-DNA position 994, A replaced by G.
Protein change: p.Met332Val; replaces methionine 332 with valine.
Molecular consequence: missense variant.
Genome position (GRCh38, 1-based): chr1:26,697,397, A>G. VCF-style: chr1-26697397-A-G. GRCh37 (hg19) VCF-style: chr1-27023888-A-G.
Other names: c.994A>G, p.Met332Val (NM_139135.4); short protein forms M332V.
Identifiers: ClinVar variation 2629405 (VCV002629405.3), dbSNP rs905051930, ClinGen allele CA19641912.

ClinVar aggregate classification (germline): Conflicting classifications of pathogenicity. Review status: criteria provided, conflicting classifications (1 of 4 stars). 3 submissions from 3 submitters: Uncertain significance (1); Benign (1); Likely benign (1). Last evaluated 2025-08-29.

Conditions:
ARID1A-related disorder. Also called: ARID1A-related condition.

Allele frequency attached by ClinVar (database versions not stated): gnomAD 0.00002; gnomAD exomes 0.00003; TOPMed 0.00003.
gnomAD v4.1: 32 of 1,327,126 alleles (0.0024%); highest among the groups gnomAD compares: Non-Finnish European, 0.003%; no homozygotes.

Submissions (3):

Labcorp Genetics (formerly Invitae), Labcorp
Classification: Benign. Last evaluated: 2025-08-29. Review status: criteria provided, single submitter. Criteria: Invitae Variant Classification Sherloc (09022015). Collection method: clinical testing. Allele origin: germline.

Blueprint Genetics
Classification: Likely benign. Last evaluated: 2023-08-11. Review status: criteria provided, single submitter. Criteria: ACMG Guidelines, 2015. Collection method: clinical testing. Allele origin: germline.

PreventionGenetics, part of Exact Sciences
Classification: Uncertain significance for ARID1A-related condition. Last evaluated: 2023-01-06. Review status: criteria provided, single submitter. Criteria: ACMG Guidelines, 2015. Collection method: clinical testing. Allele origin: germline.
Comment: The ARID1A c.994A>G variant is predicted to result in the amino acid substitution p.Met332Val. To our knowledge, this variant has not been reported in the literature. This variant is reported in 0.0065% of alleles in individuals of European (Non-Finnish) descent in gnomAD. At this time, the clinical significance of this variant is uncertain due to the absence of conclusive functional and genetic evidence.